The following is an entry in ClinVar:

NM_181523.3(PIK3R1):c.742T>C (p.Phe248Leu)

Gene: PIK3R1 (phosphoinositide-3-kinase regulatory subunit 1; plus strand). Cytogenetic location: 5q13.1.
Variant type: single nucleotide variant.
Coding change: c.742T>C on transcript NM_181523.3 (MANE Select); coding-DNA position 742, T replaced by C.
Protein change: p.Phe248Leu; replaces phenylalanine 248 with leucine.
Molecular consequence: missense variant.
Genome position (GRCh38, 1-based): chr5:68,280,635, T>C. VCF-style: chr5-68280635-T-C. GRCh37 (hg19) VCF-style: chr5-67576463-T-C.
Other names: short protein forms F248L.
Identifiers: ClinVar variation 2053287 (VCV002053287.4), dbSNP rs2530952331, ClinGen allele CA359875387.

ClinVar aggregate classification (germline): Uncertain significance (1 of 4 stars; one submission).

Conditions:
SHORT syndrome. Also called: SHORT STATURE, HYPEREXTENSIBILITY, HERNIA, OCULAR DEPRESSION, RIEGER ANOMALY, AND TEETHING DELAY; PIK3R1-Related SHORT Syndrome; LIPODYSTROPHY, PARTIAL, WITH RIEGER ANOMALY AND SHORT STATURE. Identifiers: Orphanet 3163, MedGen C0878684, MONDO:0010026, OMIM 269880.
Agammaglobulinemia 7, autosomal recessive (AGM7). Also called: AGAMMAGLOBULINEMIA, AUTOSOMAL RECESSIVE, DUE TO PIK3R1 DEFECT. Identifiers: MedGen C3554689, MONDO:0014083, OMIM 615214.
Immunodeficiency 36 with lymphoproliferation. Also called: ACTIVATED PI3K-DELTA SYNDROME 2; Immunodeficiency 36; Activated PI3K Delta Syndrome Type 2 (APDS2). Identifiers: Orphanet 397596, Orphanet 693681, MedGen C4014934, MONDO:0014453, OMIM 616005.

Allele frequency attached by ClinVar (database versions not stated): gnomAD exomes below 0.00001.
gnomAD v4.1: 1 of 1,614,102 alleles (0.000062%); highest among the groups gnomAD compares: Admixed American, 0.0017%; no homozygotes.

Submission:

Labcorp Genetics (formerly Invitae), Labcorp
Classification: Uncertain significance for SHORT syndrome; Immunodeficiency 36 with lymphoproliferation; Agammaglobulinemia 7, autosomal recessive. Last evaluated: 2024-12-09. Review status: criteria provided, single submitter. Criteria: Invitae Variant Classification Sherloc (09022015). Collection method: clinical testing. Allele origin: germline.
Comment: This sequence change replaces phenylalanine, which is neutral and non-polar, with leucine, which is neutral and non-polar, at codon 248 of the PIK3R1 protein (p.Phe248Leu). This variant is not present in population databases (gnomAD no frequency). This variant has not been reported in the literature in individuals affected with PIK3R1-related conditions. ClinVar contains an entry for this variant (Variation ID: 2053287). An algorithm developed to predict the effect of missense changes on protein structure and function (PolyPhen-2) suggests that this variant is likely to be tolerated. In summary, the available evidence is currently insufficient to determine the role of this variant in disease. Therefore, it has been classified as a Variant of Uncertain Significance.